The following is an entry in ClinVar:

NM_002878.4(RAD51D):c.126A>G (p.Lys42=)

Genes: RAD51L3-RFFL (RAD51L3-RFFL readthrough; minus strand), RAD51D (RAD51 paralog D; minus strand). Cytogenetic location: 17q12.
Variant type: single nucleotide variant.
Coding change: c.126A>G on transcript NM_002878.4 (MANE Select); coding-DNA position 126, A replaced by G.
Protein change: p.Lys42=; no amino-acid change (lysine 42 retained).
Molecular consequence: synonymous variant. On other transcripts: non-coding transcript variant (2).
Genome position (GRCh38, 1-based): chr17:35,119,129, T>C on the plus strand (A>G on the coding strand, the complement: RAD51D is on the minus strand). VCF-style: chr17-35119129-T-C. GRCh37 (hg19) VCF-style: chr17-33446148-T-C.
Other names: c.126A>G, p.Lys42= (NM_001142571.2, NM_133629.3).
Identifiers: ClinVar variation 472587 (VCV000472587.20), dbSNP rs145361433, ClinGen allele CA290006835.

ClinVar aggregate classification (germline): Benign/Likely benign. Review status: criteria provided, multiple submitters, no conflicts (2 of 4 stars). 5 submissions from 5 submitters: Benign (1); Likely benign (4). Last evaluated 2025-09-24.

Conditions:
Breast-ovarian cancer, familial, susceptibility to, 4. Identifiers: Orphanet 145, MedGen C3280345, MONDO:0013669, OMIM 614291.
Hereditary cancer-predisposing syndrome. Also called: Neoplastic Syndromes, Hereditary; Tumor predisposition; Hereditary Cancer Syndrome; Hereditary neoplastic syndrome. Identifiers: Orphanet 140162, MedGen C0027672, MeSH D009386, MONDO:0015356.

Allele frequency attached by ClinVar (database versions not stated): gnomAD 0.00001; TOPMed 0.00001; ESP Exome Variant Server 0.00008.
gnomAD v4.1: 10 of 1,613,900 alleles (0.00062%); highest among the groups gnomAD compares: African/African-American, 0.0027%; no homozygotes.

Submissions (5):

Labcorp Genetics (formerly Invitae), Labcorp
Classification: Likely benign for Breast-ovarian cancer, familial, susceptibility to, 4. Last evaluated: 2025-09-24. Review status: criteria provided, single submitter. Criteria: Invitae Variant Classification Sherloc (09022015). Collection method: clinical testing. Allele origin: germline.

Myriad Genetics, Inc.
Classification: Benign for Breast-ovarian cancer, familial, susceptibility to, 4. Last evaluated: 2025-02-20. Review status: criteria provided, single submitter. Criteria: Myriad Autosomal Dominant, Autosomal Recessive and X-Linked Classification Criteria (2023). Collection method: clinical testing. Allele origin: unknown.
Comment: This variant is considered benign. This variant is a silent/synonymous amino acid change and it is not expected to impact splicing.

Women's Health and Genetics/Laboratory Corporation of America, LabCorp
Classification: Likely benign. Last evaluated: 2020-10-22. Review status: criteria provided, single submitter. Criteria: LabCorp Variant Classification Summary - May 2015. Collection method: clinical testing. Allele origin: germline.

Ambry Genetics
Classification: Likely benign for Hereditary cancer-predisposing syndrome. Last evaluated: 2017-04-20. Review status: criteria provided, single submitter. Criteria: Ambry Variant Classification Scheme 2023. Collection method: clinical testing. Allele origin: germline.

Color Diagnostics, LLC DBA Color Health
Classification: Likely benign for Hereditary cancer-predisposing syndrome. Last evaluated: 2016-01-06. Review status: criteria provided, single submitter. Criteria: ACMG Guidelines, 2015. Collection method: clinical testing. Allele origin: germline.